The following is an entry in ClinVar:

ClinVar aggregate classification (germline): Uncertain significance (1 of 4 stars; one submission).

Submission:

Ambry Genetics
Classification: Uncertain significance. Last evaluated: 2024-09-01. Review status: criteria provided, single submitter. Criteria: Ambry Variant Classification Scheme 2023. Collection method: clinical testing. Allele origin: germline.
Comment: The p.L503V variant (also known as c.1507C>G), located in coding exon 11 of the RINT1 gene, results from a C to G substitution at nucleotide position 1507. The leucine at codon 503 is replaced by valine, an amino acid with highly similar properties. This amino acid position is conserved. In addition, the in silico prediction for this alteration is inconclusive. Based on the available evidence, the clinical significance of this variant remains unclear.

NM_021930.6(RINT1):c.1507C>G (p.Leu503Val)

Gene: RINT1 (RAD50 interactor 1; plus strand). Cytogenetic location: 7q22.3.
Variant type: single nucleotide variant.
Coding change: c.1507C>G on transcript NM_021930.6 (MANE Select); coding-DNA position 1507, C replaced by G.
Protein change: p.Leu503Val; replaces leucine 503 with valine.
Molecular consequence: missense variant.
Genome position (GRCh38, 1-based): chr7:105,555,063, C>G. VCF-style: chr7-105555063-C-G. GRCh37 (hg19) VCF-style: chr7-105195510-C-G.
Other names: c.1273C>G, p.Leu425Val (NM_001346599.2); c.484C>G, p.Leu162Val (NM_001346600.2, NM_001346603.2); c.583C>G, p.Leu195Val (NM_001346601.2); short protein forms L195V, L503V, L162V, L425V.
Identifiers: ClinVar variation 3433613 (VCV003433613.1).